The following is an entry in ClinVar:

ClinVar aggregate classification (germline): Uncertain significance. Review status: criteria provided, multiple submitters, no conflicts (2 of 4 stars). 4 submissions from 4 submitters: Uncertain significance (4). Last evaluated 2024-12-05.

Conditions:
Cardiovascular phenotype. Identifiers: MedGen CN230736.

Allele frequency attached by ClinVar (database versions not stated): TOPMed 0.00002; gnomAD exomes 0.00003.
gnomAD v4.1: 29 of 1,543,212 alleles (0.0019%); highest among the groups gnomAD compares: Admixed American, 0.016%; no homozygotes.

Submissions (4):

Women's Health and Genetics/Laboratory Corporation of America, LabCorp
Classification: Uncertain significance. Last evaluated: 2024-12-05. Review status: criteria provided, single submitter. Criteria: LabCorp Variant Classification Summary - May 2015. Collection method: clinical testing. Allele origin: germline.
Comment: Variant summary: ZNF469 c.10480C>T (p.Arg3494Trp) results in a non-conservative amino acid change in the encoded protein sequence. Four of five in-silico tools predict a benign effect of the variant on protein function. The variant allele was found at a frequency of 2.8e-05 in 144748 control chromosomes. The available data on variant occurrences in the general population are insufficient to allow any conclusion about variant significance. To our knowledge, no occurrence of c.10480C>T in individuals affected with Brittle cornea syndrome 1 and no experimental evidence demonstrating its impact on protein function have been reported. ClinVar contains an entry for this variant (Variation ID: 1012878). Based on the evidence outlined above, the variant was classified as uncertain significance.

Ambry Genetics
Classification: Uncertain significance for Cardiovascular phenotype. Last evaluated: 2023-06-11. Review status: criteria provided, single submitter. Criteria: Ambry Variant Classification Scheme 2023. Collection method: clinical testing. Allele origin: germline.
Comment: The p.R3466W variant (also known as c.10396C>T), located in coding exon 2 of the ZNF469 gene, results from a C to T substitution at nucleotide position 10396. The arginine at codon 3466 is replaced by tryptophan, an amino acid with dissimilar properties. This amino acid position is conserved. In addition, this alteration is predicted to be tolerated by in silico analysis. Since supporting evidence is limited at this time, the clinical significance of this alteration remains unclear.

Labcorp Genetics (formerly Invitae), Labcorp
Classification: Uncertain significance. Last evaluated: 2021-12-22. Review status: criteria provided, single submitter. Criteria: Invitae Variant Classification Sherloc (09022015). Collection method: clinical testing. Allele origin: germline.
Comment: This sequence change replaces arginine, which is basic and polar, with tryptophan, which is neutral and slightly polar, at codon 3466 of the ZNF469 protein (p.Arg3466Trp). This variant is present in population databases (no rsID available, gnomAD 0.01%). This variant has not been reported in the literature in individuals affected with ZNF469-related conditions. Algorithms developed to predict the effect of missense changes on protein structure and function output the following: SIFT: "Tolerated"; PolyPhen-2: "Benign"; Align-GVGD: "Class C0". The tryptophan amino acid residue is found in multiple mammalian species, which suggests that this missense change does not adversely affect protein function. In summary, the available evidence is currently insufficient to determine the role of this variant in disease. Therefore, it has been classified as a Variant of Uncertain Significance.

CeGaT Center for Human Genetics Tuebingen
Classification: Uncertain significance. Last evaluated: 2020-07-01. Review status: criteria provided, single submitter. Criteria: CeGaT Center For Human Genetics Tuebingen Variant Classification Criteria Version 2. Collection method: clinical testing. Allele origin: germline. Affected: yes. Observed: 1 variant allele.

NM_001367624.2(ZNF469):c.10480C>T (p.Arg3494Trp)

Gene: ZNF469 (zinc finger protein 469; plus strand). Cytogenetic location: 16q24.2.
Variant type: single nucleotide variant.
Coding change: c.10480C>T on transcript NM_001367624.2 (MANE Select); coding-DNA position 10480, C replaced by T.
Protein change: p.Arg3494Trp; replaces arginine 3494 with tryptophan.
Molecular consequence: missense variant.
Genome position (GRCh38, 1-based): chr16:88,437,950, C>T. VCF-style: chr16-88437950-C-T. GRCh37 (hg19) VCF-style: chr16-88504358-C-T.
Other names: NM_001127464.1:c.10396C>T; short protein forms R3494W.
Identifiers: ClinVar variation 1012878 (VCV001012878.44), dbSNP rs921811959, ClinGen allele CA397127061.
Genomic context (GRCh38, chr16:88,437,950, plus strand): 5'-CGGCGCAGGGTGGCCATGCCCGGCAGTGCCCCTGGGCCCGGCGAGGACAGGCCTCCTCCC[C>T]GGGGAAGCAGCCCCATCCTGAGTGAGGGCTCTCTCCCGGCCCTGCTCCACCTGTGTTCGG-3'
Protein context (NP_001354553.1, residues 3484-3504): PGPGEDRPPP[Arg3494Trp]GSSPILSEGS